The following is an entry in ClinVar:

NM_016188.5(ACTL6B):c.1120C>T (p.Arg374Ter)

Gene: ACTL6B (actin like 6B; minus strand). Cytogenetic location: 7q22.1.
Variant type: single nucleotide variant.
Coding change: c.1120C>T on transcript NM_016188.5 (MANE Select); coding-DNA position 1120, C replaced by T.
Protein change: p.Arg374Ter; replaces arginine 374 with a stop codon.
Molecular consequence: nonsense. On other transcripts: non-coding transcript variant (1).
Genome position (GRCh38, 1-based): chr7:100,646,329, G>A on the plus strand (C>T on the coding strand, the complement: ACTL6B is on the minus strand). VCF-style: chr7-100646329-G-A. GRCh37 (hg19) VCF-style: chr7-100243952-G-A.
Other names: short protein forms R374*.
Identifiers: ClinVar variation 2500135 (VCV002500135.2), dbSNP rs766897181, ClinGen allele CA4387018.

ClinVar aggregate classification (germline): Pathogenic. Review status: criteria provided, single submitter (1 of 4 stars). 2 submissions from 2 submitters: Pathogenic (1). 1 of the submissions does not count toward it. Last evaluated 2024-03-29.

Conditions:
Developmental and epileptic encephalopathy, 76. Also called: EPILEPTIC ENCEPHALOPATHY, EARLY INFANTILE, 76; DEVELOPMENTAL DELAY, EPILEPTIC ENCEPHALOPATHY, CEREBRAL ATROPHY, AND ABNORMAL MYELINATION. Identifiers: MedGen C5193113, MONDO:0032768, OMIM 618468.

Allele frequency attached by ClinVar (database versions not stated): gnomAD exomes 0.00001; ExAC 0.00002.
gnomAD v4.1: 17 of 1,613,716 alleles (0.0011%); highest among the groups gnomAD compares: South Asian, 0.0022%; no homozygotes.

Submissions (2):

Genomic Medicine Center of Excellence, King Faisal Specialist Hospital and Research Centre
Classification: Pathogenic for Developmental and epileptic encephalopathy, 76. Last evaluated: 2024-03-29. Review status: criteria provided, single submitter. Criteria: ACMG Guidelines, 2015. Collection method: clinical testing. Allele origin: germline.

Houlden Lab, UCL Institute of Neurology
Classification: Likely pathogenic for Developmental and epileptic encephalopathy, 76. Review status: no assertion criteria provided. Collection method: research. Allele origin: germline. Affected: yes. Observed: 1 variant allele. Not counted in ClinVar's aggregate classification.
Comment: This variant was identified in a compound heterozygous state with another ACTL6B variant (c.441_443del) for this condition.